The following is an entry in ClinVar:

ClinVar aggregate classification (germline): Likely benign. Review status: criteria provided, multiple submitters, no conflicts (2 of 4 stars). 5 submissions from 5 submitters: Likely benign (4). 1 of the submissions does not count toward it. Last evaluated 2025-09-23.

Conditions:
Charcot-Marie-Tooth disease dominant intermediate E. Also called: CHARCOT-MARIE-TOOTH NEUROPATHY WITH FOCAL SEGMENTAL GLOMERULONEPHRITIS. Identifiers: Orphanet 93114, MedGen C4302667, MONDO:0013758, OMIM 614455.
Focal segmental glomerulosclerosis 5 (FSGS5). Identifiers: Orphanet 656, MedGen C2750475, MONDO:0013191, OMIM 613237.
INF2-related disorder. Also called: INF2-related condition.

Allele frequency attached by ClinVar (database versions not stated): gnomAD 0.00005 and 0.00006; TOPMed 0.00007; ESP Exome Variant Server 0.00008; gnomAD exomes 0.00003 and 0.00004; ExAC 0.00005.
gnomAD v4.1: 59 of 1,608,458 alleles (0.0037%); highest among the groups gnomAD compares: Middle Eastern, 0.05%; no homozygotes.

Submissions (5):

Labcorp Genetics (formerly Invitae), Labcorp
Classification: Likely benign for Charcot-Marie-Tooth disease dominant intermediate E; Focal segmental glomerulosclerosis 5. Last evaluated: 2025-09-23. Review status: criteria provided, single submitter. Criteria: Invitae Variant Classification Sherloc (09022015). Collection method: clinical testing. Allele origin: germline.

Blueprint Genetics
Classification: Likely benign. Last evaluated: 2024-10-16. Review status: criteria provided, single submitter. Criteria: ACMG Guidelines, 2015. Collection method: clinical testing. Allele origin: germline.

Fulgent Genetics
Classification: Likely benign for Focal segmental glomerulosclerosis 5; Charcot-Marie-Tooth disease dominant intermediate E. Last evaluated: 2022-02-25. Review status: criteria provided, single submitter. Criteria: ACMG Guidelines, 2015. Collection method: clinical testing. Allele origin: unknown.

Breakthrough Genomics
Classification: Likely benign. Review status: criteria provided, single submitter. Criteria: ACMG Guidelines, 2015. Collection method: not provided. Allele origin: germline. Inheritance: Autosomal dominant inheritance. Affected: yes.

PreventionGenetics, part of Exact Sciences
Classification: Likely benign for INF2-related condition. Last evaluated: 2019-08-13. Review status: no assertion criteria provided. Collection method: clinical testing. Allele origin: germline. Not counted in ClinVar's aggregate classification.
Comment: This variant is classified as likely benign based on ACMG/AMP sequence variant interpretation guidelines (Richards et al. 2015 PMID: 25741868, with internal and published modifications).

NM_022489.4(INF2):c.2879-9G>A

Gene: INF2 (inverted formin 2; plus strand). Cytogenetic location: 14q32.33.
Variant type: single nucleotide variant.
Coding change: c.2879-9G>A on transcript NM_022489.4 (MANE Select); 9 bases into the intron before coding-DNA position 2879, G replaced by A.
Molecular consequence: intron variant.
Genome position (GRCh38, 1-based): chr14:104,713,436, G>A. VCF-style: chr14-104713436-G-A. GRCh37 (hg19) VCF-style: chr14-105179773-G-A.
Other names: c.2879-9G>A (NM_001031714.4).
Identifiers: ClinVar variation 705449 (VCV000705449.15), dbSNP rs373139405, ClinGen allele CA7373118.